The following is an entry in ClinVar:

NM_020964.3(EPG5):c.5233C>G (p.Gln1745Glu)

Gene: EPG5 (ectopic P-granules 5 autophagy tethering factor; minus strand). Cytogenetic location: 18q12.3.
Variant type: single nucleotide variant.
Coding change: c.5233C>G on transcript NM_020964.3 (MANE Select); coding-DNA position 5233, C replaced by G.
Protein change: p.Gln1745Glu; replaces glutamine 1745 with glutamic acid.
Molecular consequence: missense variant.
Genome position (GRCh38, 1-based): chr18:45,884,688, G>C on the plus strand (C>G on the coding strand, the complement: EPG5 is on the minus strand). VCF-style: chr18-45884688-G-C. GRCh37 (hg19) VCF-style: chr18-43464653-G-C.
Other names: c.5233C>G, p.Gln1745Glu (NM_001410858.1, NM_001410859.1); short protein forms Q1745E.
Identifiers: ClinVar variation 2089924 (VCV002089924.4), dbSNP rs2511608601, ClinGen allele CA402345485.

ClinVar aggregate classification (germline): Uncertain significance (1 of 4 stars; one submission).

Conditions:
Vici syndrome (VICIS). Identifiers: Orphanet 1493, MedGen C1855772, MONDO:0009452, OMIM 242840.

Submission:

Labcorp Genetics (formerly Invitae), Labcorp
Classification: Uncertain significance for Vici syndrome. Last evaluated: 2022-02-25. Review status: criteria provided, single submitter. Criteria: Invitae Variant Classification Sherloc (09022015). Collection method: clinical testing. Allele origin: germline.
Comment: In summary, the available evidence is currently insufficient to determine the role of this variant in disease. Therefore, it has been classified as a Variant of Uncertain Significance. Algorithms developed to predict the effect of missense changes on protein structure and function output the following: SIFT: "Tolerated"; PolyPhen-2: "Benign"; Align-GVGD: "Class C0". The glutamic acid amino acid residue is found in multiple mammalian species, which suggests that this missense change does not adversely affect protein function. This variant has not been reported in the literature in individuals affected with EPG5-related conditions. This variant is not present in population databases (gnomAD no frequency). This sequence change replaces glutamine, which is neutral and polar, with glutamic acid, which is acidic and polar, at codon 1745 of the EPG5 protein (p.Gln1745Glu).